The following is an entry in ClinVar:

NM_020975.6(RET):c.3021G>C (p.Lys1007Asn)

Gene: RET (ret proto-oncogene; plus strand). Cytogenetic location: 10q11.21.
Variant type: single nucleotide variant.
Coding change: c.3021G>C on transcript NM_020975.6 (MANE Select); coding-DNA position 3021, G replaced by C.
Protein change: p.Lys1007Asn; replaces lysine 1007 with asparagine.
Molecular consequence: missense variant.
Genome position (GRCh38, 1-based): chr10:43,124,964, G>C. VCF-style: chr10-43124964-G-C. GRCh37 (hg19) VCF-style: chr10-43620412-G-C.
Other names: c.3021G>C, p.Lys1007Asn (NM_000323.2, NM_001406743.1, NM_001406744.1 and 4 more transcripts); c.2259G>C, p.Lys753Asn (NM_001355216.2); c.2892G>C, p.Lys964Asn (NM_001406761.1, NM_001406762.1, NM_001406764.1); c.2886G>C, p.Lys962Asn (NM_001406763.1, NM_001406765.1); c.2733G>C, p.Lys911Asn (NM_001406766.1, NM_001406767.1, NM_001406770.1); c.2757G>C, p.Lys919Asn (NM_001406768.1); c.2625G>C, p.Lys875Asn (NM_001406769.1, NM_001406772.1); c.2583G>C, p.Lys861Asn (NM_001406771.1, NM_001406773.1); and 10 more; short protein forms K1007N, K753N, K663N, K665N, K668N, K832N, K875N, K524N.
Identifiers: ClinVar variation 662820 (VCV000662820.16), dbSNP rs786204098, ClinGen allele CA376558208.

ClinVar aggregate classification (germline): Conflicting classifications of pathogenicity. Review status: criteria provided, conflicting classifications (1 of 4 stars). 4 submissions from 4 submitters: Likely pathogenic (1); Uncertain significance (3). Last evaluated 2022-06-15.

Conditions:
Ovarian cancer. Also called: OVARIAN CANCER, SOMATIC. Identifiers: MONDO:0008170, OMIM 167000, Orphanet 213500, MedGen C1140680.
Hereditary cancer-predisposing syndrome. Also called: Neoplastic Syndromes, Hereditary; Tumor predisposition; Hereditary neoplastic syndrome; Hereditary Cancer Syndrome. Identifiers: Orphanet 140162, MedGen C0027672, MeSH D009386, MONDO:0015356.
Multiple endocrine neoplasia, type 2 (MEN2). Identifiers: Orphanet 653, MedGen C4048306, MONDO:0019003. Disease mechanism: gain of function.

Submissions (4):

GeneDx
Classification: Uncertain significance. Last evaluated: 2022-06-15. Review status: criteria provided, single submitter. Criteria: GeneDx Variant Classification Process June 2021. Collection method: clinical testing. Allele origin: germline. Affected: yes.
Comment: Not observed at significant frequency in large population cohorts (gnomAD); In silico analysis supports that this missense variant has a deleterious effect on protein structure/function; Has not been previously published as pathogenic or benign to our knowledge; This variant is associated with the following publications: (PMID: 14633923)

Labcorp Genetics (formerly Invitae), Labcorp
Classification: Uncertain significance for Multiple endocrine neoplasia, type 2. Last evaluated: 2022-02-19. Review status: criteria provided, single submitter. Criteria: Invitae Variant Classification Sherloc (09022015). Collection method: clinical testing. Allele origin: germline.
Comment: ClinVar contains an entry for this variant (Variation ID: 662820). This sequence change replaces lysine, which is basic and polar, with asparagine, which is neutral and polar, at codon 1007 of the RET protein (p.Lys1007Asn). This variant is not present in population databases (gnomAD no frequency). This variant has not been reported in the literature in individuals affected with RET-related conditions. Algorithms developed to predict the effect of missense changes on protein structure and function are either unavailable or do not agree on the potential impact of this missense change (SIFT: "Deleterious"; PolyPhen-2: "Probably Damaging"; Align-GVGD: "Class C0"). In summary, the available evidence is currently insufficient to determine the role of this variant in disease. Therefore, it has been classified as a Variant of Uncertain Significance.

Laboratory of Molecular Epidemiology of Birth Defects, West China Second University Hospital, Sichuan University
Classification: Likely pathogenic for Ovarian cancer. Last evaluated: 2022-01-01. Review status: criteria provided, single submitter. Criteria: ACMG Guidelines, 2015. Collection method: clinical testing. Allele origin: germline. Affected: yes.

Ambry Genetics
Classification: Uncertain significance for Hereditary cancer-predisposing syndrome. Last evaluated: 2018-06-13. Review status: criteria provided, single submitter. Criteria: Ambry Variant Classification Scheme 2023. Collection method: clinical testing. Allele origin: germline.
Comment: The p.K1007N variant (also known as c.3021G>C), located in coding exon 18 of the RET gene, results from a G to C substitution at nucleotide position 3021. The lysine at codon 1007 is replaced by asparagine, an amino acid with similar properties. This amino acid position is highly conserved in available vertebrate species. In addition, this alteration is predicted to be tolerated by in silico analysis. Since supporting evidence is limited at this time, the clinical significance of this alteration remains unclear.